The following is an entry in ClinVar:

ClinVar aggregate classification (germline): Uncertain significance (1 of 4 stars; one submission).

Submission:

Dasa
Classification: Uncertain significance. Last evaluated: 2024-11-11. Review status: criteria provided, single submitter. Criteria: DASA Assertion Criteria. Collection method: clinical testing. Allele origin: germline.
Comment: NM_005569.4(LIMK2):c.1351G>T (p.Asp451Tyr) is a missense variant that results in the substitution of aspartic acid with tyrosine. This variant is absent from population databases. Computational prediction algorithms are consistent with a deleterious effect. The currently available literature and clinical evidence are not sufficient to establish a definitive association between this variant and the reported condition. Therefore, this variant is classified as a variant of uncertain significance.

NM_005569.4(LIMK2):c.1351G>T (p.Asp451Tyr)

Gene: LIMK2 (LIM domain kinase 2; plus strand). Cytogenetic location: 22q12.2.
Variant type: single nucleotide variant.
Coding change: c.1351G>T on transcript NM_005569.4 (MANE Select); coding-DNA position 1351, G replaced by T.
Protein change: p.Asp451Tyr; replaces aspartic acid 451 with tyrosine.
Molecular consequence: missense variant.
Genome position (GRCh38, 1-based): chr22:31,271,169, G>T. VCF-style: chr22-31271169-G-T. GRCh37 (hg19) VCF-style: chr22-31667155-G-T.
Other names: c.1288G>T, p.Asp430Tyr (NM_001031801.2, NM_016733.3); short protein forms D430Y, D451Y.
Identifiers: ClinVar variation 5021048 (VCV005021048.1).